The following is an entry in ClinVar:

NM_015057.5(MYCBP2):c.5207G>A (p.Ser1736Asn)

Gene: MYCBP2 (MYC binding protein 2; minus strand). Cytogenetic location: 13q22.3.
Variant type: single nucleotide variant.
Coding change: c.5207G>A on transcript NM_015057.5 (MANE Select); coding-DNA position 5207, G replaced by A.
Protein change: p.Ser1736Asn; replaces serine 1736 with asparagine.
Molecular consequence: missense variant.
Genome position (GRCh38, 1-based): chr13:77,177,881, C>T on the plus strand (G>A on the coding strand, the complement: MYCBP2 is on the minus strand). VCF-style: chr13-77177881-C-T. GRCh37 (hg19) VCF-style: chr13-77752016-C-T.
Other names: short protein forms S1736N.
Identifiers: ClinVar variation 3365395 (VCV003365395.1).

ClinVar aggregate classification (germline): Uncertain significance (1 of 4 stars; one submission).

Submission:

GeneDx
Classification: Uncertain significance. Last evaluated: 2023-12-09. Review status: criteria provided, single submitter. Criteria: GeneDx Variant Classification Process June 2021. Collection method: clinical testing. Allele origin: germline. Affected: yes.
Comment: Not observed at significant frequency in large population cohorts (gnomAD); In silico analysis supports that this missense variant does not alter protein structure/function; Has not been previously published as pathogenic or benign to our knowledge